The following is an entry in ClinVar:

NM_001378454.1(ALMS1):c.11487A>C (p.Lys3829Asn)

Gene: ALMS1 (ALMS1 centrosome and basal body associated protein; plus strand). Cytogenetic location: 2p13.1.
Variant type: single nucleotide variant.
Coding change: c.11487A>C on transcript NM_001378454.1 (MANE Select); coding-DNA position 11487, A replaced by C.
Protein change: p.Lys3829Asn; replaces lysine 3829 with asparagine.
Molecular consequence: missense variant.
Genome position (GRCh38, 1-based): chr2:73,573,364, A>C. VCF-style: chr2-73573364-A-C. GRCh37 (hg19) VCF-style: chr2-73800491-A-C.
Other names: c.11490A>C, p.Lys3830Asn (NM_015120.4); short protein forms K3830N, K3829N.
Identifiers: ClinVar variation 4727131 (VCV004727131.1).

ClinVar aggregate classification (germline): Uncertain significance (1 of 4 stars; one submission).

Conditions:
Alstrom syndrome (ALMS). Identifiers: Orphanet 64, MedGen C0268425, MONDO:0008763, OMIM 203800.

Submission:

Labcorp Genetics (formerly Invitae), Labcorp
Classification: Uncertain significance for Alstrom syndrome. Last evaluated: 2025-09-20. Review status: criteria provided, single submitter. Criteria: Invitae Variant Classification Sherloc (09022015). Collection method: clinical testing. Allele origin: germline.
Comment: This sequence change replaces lysine, which is basic and polar, with asparagine, which is neutral and polar, at codon 3830 of the ALMS1 protein (p.Lys3830Asn). This variant is not present in population databases (gnomAD no frequency). This variant has not been reported in the literature in individuals affected with ALMS1-related conditions. Experimental studies and prediction algorithms are not available or were not evaluated, and the functional significance of this variant is currently unknown. In summary, the available evidence is currently insufficient to determine the role of this variant in disease. Therefore, it has been classified as a Variant of Uncertain Significance.